The following is an entry in ClinVar:

ClinVar aggregate classification (germline): Benign/Likely benign. Review status: criteria provided, multiple submitters, no conflicts (2 of 4 stars). 4 submissions from 3 submitters: Benign (2); Likely benign (2). Last evaluated 2020-06-12.

Conditions:
Branchiootic syndrome 1 (BOS1). Also called: BO SYNDROME 1; BRANCHIOOTIC DYSPLASIA. Identifiers: MedGen C1865143, MONDO:0011258, OMIM 602588.
Otofaciocervical syndrome 1 (OTFCS). Identifiers: MedGen C3714941, MONDO:0024532, OMIM 166780.

Allele frequency attached by ClinVar (database versions not stated): ESP Exome Variant Server 0.00077; gnomAD 0.00086 and 0.00109; TOPMed 0.00088; gnomAD exomes 0.00190 and 0.00199; 1000 Genomes Project 30x 0.00203; 1000 Genomes Project 0.00220; ExAC 0.00270.
gnomAD v4.1: 2,837 of 1,552,970 alleles (0.18%); highest among the groups gnomAD compares: South Asian, 0.83%; 16 homozygotes.

Submissions (4):

GeneDx
Classification: Likely benign. Last evaluated: 2020-06-12. Review status: criteria provided, single submitter. Criteria: GeneDx Variant Classification Process June 2021. Collection method: clinical testing. Allele origin: germline. Affected: yes.

Illumina Laboratory Services, Illumina
Classification: Benign for Otofaciocervical syndrome 1. Last evaluated: 2018-01-12. Review status: criteria provided, single submitter. Criteria: ICSL Variant Classification Criteria 13 December 2019. Collection method: clinical testing. Allele origin: germline.
Comment: This variant was observed in the ICSL laboratory as part of a predisposition screen in an ostensibly healthy population. It had not been previously curated by ICSL or reported in the Human Gene Mutation Database (HGMD: prior to June 1st, 2018), and was therefore a candidate for classification through an automated scoring system. Utilizing variant allele frequency, disease prevalence and penetrance estimates, and inheritance mode, an automated score was calculated to assess if this variant is too frequent to cause the disease. Based on the score and internal cut-off values, a variant classified as benign is not then subjected to further curation. The score for this variant resulted in a classification of benign for this disease.

Illumina Laboratory Services, Illumina
Classification: Benign for Branchiootic syndrome. Last evaluated: 2018-01-12. Review status: criteria provided, single submitter. Criteria: ICSL Variant Classification Criteria 13 December 2019. Collection method: clinical testing. Allele origin: germline.
Comment: the same text as in the submission from Illumina Laboratory Services, Illumina above.

Breakthrough Genomics
Classification: Likely benign. Review status: criteria provided, single submitter. Criteria: ACMG Guidelines, 2015. Collection method: not provided. Allele origin: germline. Inheritance: Autosomal dominant inheritance. Affected: yes.

NM_000503.6(EYA1):c.*23G>A

Gene: EYA1 (EYA transcriptional coactivator and phosphatase 1; minus strand). Cytogenetic location: 8q13.3.
Variant type: single nucleotide variant.
Coding change: c.*23G>A on transcript NM_000503.6 (MANE Select); 23 bases downstream of the stop codon, G replaced by A.
Molecular consequence: 3 prime UTR variant.
Genome position (GRCh38, 1-based): chr8:71,199,317, C>T on the plus strand (G>A on the coding strand, the complement: EYA1 is on the minus strand). VCF-style: chr8-71199317-C-T. GRCh37 (hg19) VCF-style: chr8-72111552-C-T.
Other names: c.*23G>A (NM_001288574.2, NM_001288575.2, NM_001370333.1 and 5 more transcripts).
Identifiers: ClinVar variation 363646 (VCV000363646.9), dbSNP rs373876510, ClinGen allele CA4779360.